The following is an entry in ClinVar:

ClinVar aggregate classification (germline): Pathogenic/Likely pathogenic. Review status: criteria provided, multiple submitters, no conflicts (2 of 4 stars). 3 submissions from 3 submitters: Pathogenic (1); Likely pathogenic (2). Last evaluated 2025-05-27.

Conditions:
Medulloblastoma (MDB). Also called: MEDULLOBLASTOMA PREDISPOSITION SYNDROME; Medulloblastoma, somatic. Identifiers: Orphanet 616, MedGen C0025149, MeSH D008527, MONDO:0007959, OMIM 155255, HP:0002885.
Familial dysautonomia. Also called: FD; HSAN III. Identifiers: Orphanet 1764, MedGen C0013364, MONDO:0009131, OMIM 223900. Disease mechanism: loss of function.

Submissions (3):

Natera, Inc.
Classification: Likely pathogenic for Familial dysautonomia. Last evaluated: 2025-05-27. Review status: criteria provided, single submitter. Criteria: Natera Variant Classification Schema (03/2026). Collection method: clinical testing. Allele origin: germline.
Comment: The c.3378dupT variant in ELP1 is a frameshift variant predicted to shift the reading frame beginning at codon 1127 and leads to a stop codon 29 codons downstream. This variant is expected to result in nonsense mediated decay, truncation, or a dysfunctional protein product. This variant is rare in the general population with a frequency below the threshold expected for the associated phenotype(s). Given the available evidence, this variant is classified as Likely Pathogenic.

Labcorp Genetics (formerly Invitae), Labcorp
Classification: Pathogenic. Last evaluated: 2024-06-11. Review status: criteria provided, single submitter. Criteria: Invitae Variant Classification Sherloc (09022015). Collection method: clinical testing. Allele origin: germline.
Comment: This sequence change creates a premature translational stop signal (p.Gln1127Serfs*29) in the ELP1 gene. It is expected to result in an absent or disrupted protein product. Loss-of-function variants in ELP1 are known to be pathogenic (PMID: 18303054, 24173031). This variant is present in population databases (no rsID available, gnomAD 0.01%). This variant has not been reported in the literature in individuals affected with ELP1-related conditions. ClinVar contains an entry for this variant (Variation ID: 1391877). For these reasons, this variant has been classified as Pathogenic.

Fulgent Genetics
Classification: Likely pathogenic for Medulloblastoma; Familial dysautonomia. Last evaluated: 2024-03-26. Review status: criteria provided, single submitter. Criteria: ACMG Guidelines, 2015. Collection method: clinical testing. Allele origin: germline.

Literature cited by the submitters: PubMed 18303054 (cited by Labcorp Genetics (formerly Invitae), Labcorp); PubMed 24173031 (cited by Labcorp Genetics (formerly Invitae), Labcorp).

NM_003640.5(ELP1):c.3378dup (p.Gln1127fs)

Gene: ELP1 (elongator acetyltransferase complex subunit 1; minus strand). Cytogenetic location: 9q31.3.
Variant type: Duplication.
Coding change: c.3378dup on transcript NM_003640.5 (MANE Select); coding-DNA position 3378, one base duplicated (T; older notation c.3378dupT).
Protein change: p.Gln1127fs; shifts the reading frame from glutamine 1127.
Molecular consequence: frameshift variant.
Genome position (GRCh38, 1-based): chr9:108,880,134, A duplicated on the plus strand (T on the coding strand, the reverse complement: ELP1 is on the minus strand). VCF-style (leftmost placement, unchanged base first): chr9-108880133-G-GA. GRCh37 (hg19) VCF-style: chr9-111642413-G-GA.
Other names: c.3036dup, p.Gln1013fs (NM_001318360.2); c.2331dup, p.Gln778fs (NM_001330749.2); c.3378dupT (NM_003640.4); short protein forms Q778fs, Q1127fs, Q1013fs.
Identifiers: ClinVar variation 1391877 (VCV001391877.8), dbSNP rs1302114356, ClinGen allele CA589604596.